The following is an entry in ClinVar:

NM_001330078.2(NRXN1):c.270G>T (p.Gln90His)

Gene: NRXN1 (neurexin 1; minus strand). Cytogenetic location: 2p16.3.
Variant type: single nucleotide variant.
Coding change: c.270G>T on transcript NM_001330078.2 (MANE Select); coding-DNA position 270, G replaced by T.
Protein change: p.Gln90His; replaces glutamine 90 with histidine.
Molecular consequence: missense variant.
Genome position (GRCh38, 1-based): chr2:51,028,004, C>A on the plus strand (G>T on the coding strand, the complement: NRXN1 is on the minus strand). VCF-style: chr2-51028004-C-A. GRCh37 (hg19) VCF-style: chr2-51255142-C-A.
Other names: c.270G>T, p.Gln90His (NM_001135659.3, NM_001330077.2, NM_001330079.2 and 15 more transcripts); short protein forms Q90H.
Identifiers: ClinVar variation 195130 (VCV000195130.21), dbSNP rs199960045, ClinGen allele CA241414.

ClinVar aggregate classification (germline): Conflicting classifications of pathogenicity. Review status: criteria provided, conflicting classifications (1 of 4 stars). 6 submissions from 6 submitters: Uncertain significance (5); Likely benign (1). Last evaluated 2025-11-18.

Conditions:
Inborn genetic diseases. Identifiers: MedGen C0950123, MeSH D030342.
Pitt-Hopkins-like syndrome 2 (PTHSL2). Identifiers: Orphanet 221150, Orphanet 600663, MedGen C3280479, MONDO:0013690, OMIM 614325.
Chromosome 2p16.3 deletion syndrome. Identifiers: MedGen C3808494, MONDO:0013696, OMIM 614332.

Allele frequency attached by ClinVar (database versions not stated): ExAC 0.00002; gnomAD 0.00005; gnomAD exomes 0.00006; ESP Exome Variant Server 0.00008; TOPMed 0.00012.
gnomAD v4.1: 162 of 1,599,618 alleles (0.01%); highest among the groups gnomAD compares: Admixed American, 0.013%; no homozygotes.

Submissions (6):

Labcorp Genetics (formerly Invitae), Labcorp
Classification: Uncertain significance for Pitt-Hopkins-like syndrome 2. Last evaluated: 2025-11-18. Review status: criteria provided, single submitter. Criteria: Invitae Variant Classification Sherloc (09022015). Collection method: clinical testing. Allele origin: germline.
Comment: This sequence change replaces glutamine, which is neutral and polar, with histidine, which is basic and polar, at codon 90 of the NRXN1 protein (p.Gln90His). This variant is present in population databases (rs199960045, gnomAD 0.01%). This variant has not been reported in the literature in individuals affected with NRXN1-related conditions. ClinVar contains an entry for this variant (Variation ID: 195130). An algorithm developed to predict the effect of missense changes on protein structure and function (PolyPhen-2) suggests that this variant is likely to be tolerated. In summary, the available evidence is currently insufficient to determine the role of this variant in disease. Therefore, it has been classified as a Variant of Uncertain Significance.

Ambry Genetics
Classification: Uncertain significance for Inborn genetic diseases. Last evaluated: 2024-11-14. Review status: criteria provided, single submitter. Criteria: Ambry Variant Classification Scheme 2023. Collection method: clinical testing. Allele origin: germline.

Laboratorio de Genetica e Diagnostico Molecular, Hospital Israelita Albert Einstein
Classification: Uncertain significance. Last evaluated: 2021-08-13. Review status: criteria provided, single submitter. Criteria: ACMG Guidelines, 2015. Collection method: clinical testing. Allele origin: germline. Affected: yes.
Comment: ACMG classification criteria: BP4

GeneDx
Classification: Likely benign. Last evaluated: 2019-12-12. Review status: criteria provided, single submitter. Criteria: GeneDx Variant Classification Process June 2021. Collection method: clinical testing. Allele origin: germline. Affected: yes.

Fulgent Genetics
Classification: Uncertain significance for Pitt-Hopkins-like syndrome 2; Chromosome 2p16.3 deletion syndrome. Last evaluated: 2018-10-31. Review status: criteria provided, single submitter. Criteria: ACMG Guidelines, 2015. Collection method: clinical testing. Allele origin: unknown.

Eurofins Ntd Llc (ga)
Classification: Uncertain significance. Last evaluated: 2015-05-14. Review status: criteria provided, single submitter. Criteria: EGL Classification Definitions 2015. Collection method: clinical testing. Allele origin: germline. Observed: 1 variant allele, 1 heterozygote.